The following is an entry in ClinVar:

ClinVar aggregate classification (germline): Likely benign. Review status: criteria provided, multiple submitters, no conflicts (2 of 4 stars). 2 submissions from 2 submitters: Likely benign (2). Last evaluated 2024-10-01.

gnomAD v4.1: 72 of 1,533,416 alleles (0.0047%); highest among the groups gnomAD compares: Admixed American, 0.038%; no homozygotes.

Submissions (2):

CeGaT Center for Human Genetics Tuebingen
Classification: Likely benign. Last evaluated: 2024-10-01. Review status: criteria provided, single submitter. Criteria: CeGaT Center For Human Genetics Tuebingen Variant Classification Criteria Version 2. Collection method: clinical testing. Allele origin: germline. Affected: yes. Observed: 1 variant allele.
Comment: DLG4: BP4, BP7

Blueprint Genetics
Classification: Likely benign. Last evaluated: 2024-03-07. Review status: criteria provided, single submitter. Criteria: ACMG Guidelines, 2015. Collection method: clinical testing. Allele origin: germline.

NM_001321075.3(DLG4):c.1623G>A (p.Gly541=)

Gene: DLG4 (discs large MAGUK scaffold protein 4; minus strand). Cytogenetic location: 17p13.1.
Variant type: single nucleotide variant.
Coding change: c.1623G>A on transcript NM_001321075.3 (MANE Select); coding-DNA position 1623, G replaced by A.
Protein change: p.Gly541=; no amino-acid change (glycine 541 retained).
Molecular consequence: synonymous variant. On other transcripts: non-coding transcript variant (1).
Genome position (GRCh38, 1-based): chr17:7,193,553, C>T on the plus strand (G>A on the coding strand, the complement: DLG4 is on the minus strand). VCF-style: chr17-7193553-C-T. GRCh37 (hg19) VCF-style: chr17-7096872-C-T.
Other names: c.1614G>A, p.Gly538= (NM_001128827.4); c.1743G>A, p.Gly581= (NM_001321074.1); c.1443G>A, p.Gly481= (NM_001321076.3, NM_001321077.3); c.1752G>A, p.Gly584= (NM_001365.5); c.1542G>A, p.Gly514= (NM_001369566.3).
Identifiers: ClinVar variation 3388687 (VCV003388687.15).